The following is an entry in ClinVar:

ClinVar aggregate classification (germline): Uncertain significance (1 of 4 stars; one submission).

Submission:

Medical Genetic Center, Changzhi Maternal and Child Health Care Hospital
Classification: Uncertain significance. Last evaluated: 2025-12-10. Review status: criteria provided, single submitter. Criteria: ACMG/ClinGen CNV Guidelines, 2019. Collection method: clinical testing. Allele origin: unknown.
Comment: PLCG2 partial deletion (NM_002661.5, exon 3-33), large deltion has been reported with cold autoinflammatory syndrome (PUBMED:31681265、32671674)

GRCh38/hg38 16q23.3(chr16:81826678-82010352)x1

Genes: SDR42E1 (short chain dehydrogenase/reductase family 42E, member 1; minus strand), PLCG2 (phospholipase C gamma 2; plus strand), LOC130059544 (ATAC-STARR-seq lymphoblastoid active region 11222; plus strand), LOC130059545 (ATAC-STARR-seq lymphoblastoid active region 11223; plus strand), LOC130059546 (ATAC-STARR-seq lymphoblastoid active region 11224; plus strand). Cytogenetic location: 16q23.3.
Variant type: copy number loss.
Change: copy number 1 (one copy instead of two) of chr16:81,826,678-82,010,352 (183.7 kb, GRCh38 coordinates, 1-based), cytogenetic band 16q23.3.
Identifiers: ClinVar variation 4796137 (VCV004796137.1).